The following is an entry in ClinVar:

NM_032242.4(PLXNA1):c.4363-4G>T

Gene: PLXNA1 (plexin A1; plus strand). Cytogenetic location: 3q21.3.
Variant type: single nucleotide variant.
Coding change: c.4363-4G>T on transcript NM_032242.4 (MANE Select); 4 bases into the intron before coding-DNA position 4363, G replaced by T.
Molecular consequence: intron variant.
Genome position (GRCh38, 1-based): chr3:127,027,936, G>T. VCF-style: chr3-127027936-G-T. GRCh37 (hg19) VCF-style: chr3-126746779-G-T.
Identifiers: ClinVar variation 3029077 (VCV003029077.2), dbSNP rs748516636, ClinGen allele CA2577887593.

ClinVar aggregate classification (germline): Likely benign (0 of 4 stars; one submission).

Conditions:
PLXNA1-related disorder. Also called: PLXNA1-related condition.

gnomAD v4.1: 8 of 1,613,154 alleles (0.0005%); highest among the groups gnomAD compares: Non-Finnish European, 0.00059%; no homozygotes.

Submission:

PreventionGenetics, part of Exact Sciences
Classification: Likely benign for PLXNA1-related condition. Last evaluated: 2022-02-08. Review status: no assertion criteria provided. Collection method: clinical testing. Allele origin: germline.
Comment: This variant is classified as likely benign based on ACMG/AMP sequence variant interpretation guidelines (Richards et al. 2015 PMID: 25741868, with internal and published modifications).